The following is an entry in ClinVar:

NM_001194.4(HCN2):c.418C>T (p.Pro140Ser)

Gene: HCN2 (hyperpolarization activated cyclic nucleotide gated potassium and sodium channel 2; plus strand). Cytogenetic location: 19p13.3.
Variant type: single nucleotide variant.
Coding change: c.418C>T on transcript NM_001194.4 (MANE Select); coding-DNA position 418, C replaced by T.
Protein change: p.Pro140Ser; replaces proline 140 with serine.
Molecular consequence: missense variant.
Genome position (GRCh38, 1-based): chr19:590,363, C>T. VCF-style: chr19-590363-C-T. GRCh37 (hg19) VCF-style: chr19-590363-C-T.
Other names: short protein forms P140S.
Identifiers: ClinVar variation 5007973 (VCV005007973.1).

ClinVar aggregate classification (germline): Uncertain significance (1 of 4 stars; one submission).

gnomAD v4.1: 213 of 1,144,284 alleles (0.019%); highest among the groups gnomAD compares: African/African-American, 0.31%; 1 homozygote.

Submission:

GeneDx
Classification: Uncertain significance. Last evaluated: 2026-03-05. Review status: criteria provided, single submitter. Criteria: GeneDx Variant Classification Process June 2021. Collection method: clinical testing. Allele origin: germline.
Comment: In silico analysis suggests that this missense variant does not alter protein structure/function; Has not been previously published as pathogenic or benign to our knowledge